The following is an entry in ClinVar:

ClinVar aggregate classification (germline): Uncertain significance. Review status: criteria provided, multiple submitters, no conflicts (2 of 4 stars). 2 submissions from 2 submitters: Uncertain significance (2). Last evaluated 2026-04-14.

Allele frequency attached by ClinVar (database versions not stated): ESP Exome Variant Server 0.00008; ExAC 0.00001.
gnomAD v4.1: 17 of 1,561,130 alleles (0.0011%); highest among the groups gnomAD compares: African/African-American, 0.0069%; no homozygotes.

Submissions (2):

GeneDx
Classification: Uncertain significance. Last evaluated: 2026-04-14. Review status: criteria provided, single submitter. Criteria: GeneDx Variant Classification Process June 2021. Collection method: clinical testing. Allele origin: germline.
Comment: In silico analysis supports that this missense variant has a deleterious effect on protein structure/function; Has not been previously published as pathogenic or benign to our knowledge

Labcorp Genetics (formerly Invitae), Labcorp
Classification: Uncertain significance. Last evaluated: 2023-07-27. Review status: criteria provided, single submitter. Criteria: Invitae Variant Classification Sherloc (09022015). Collection method: clinical testing. Allele origin: germline.
Comment: This sequence change replaces serine, which is neutral and polar, with asparagine, which is neutral and polar, at codon 2481 of the DMXL2 protein (p.Ser2481Asn). This variant is present in population databases (rs370841953, gnomAD 0.01%). This variant has not been reported in the literature in individuals affected with DMXL2-related conditions. ClinVar contains an entry for this variant (Variation ID: 2413293). An algorithm developed to predict the effect of missense changes on protein structure and function (PolyPhen-2) suggests that this variant is likely to be disruptive. In summary, the available evidence is currently insufficient to determine the role of this variant in disease. Therefore, it has been classified as a Variant of Uncertain Significance.

NM_001378457.1(DMXL2):c.7442G>A (p.Ser2481Asn)

Gene: DMXL2 (Dmx like 2; minus strand). Cytogenetic location: 15q21.2.
Variant type: single nucleotide variant.
Coding change: c.7442G>A on transcript NM_001378457.1 (MANE Select); coding-DNA position 7442, G replaced by A.
Protein change: p.Ser2481Asn; replaces serine 2481 with asparagine.
Molecular consequence: missense variant. On other transcripts: non-coding transcript variant (2).
Genome position (GRCh38, 1-based): chr15:51,466,262, C>T on the plus strand (G>A on the coding strand, the complement: DMXL2 is on the minus strand). VCF-style: chr15-51466262-C-T. GRCh37 (hg19) VCF-style: chr15-51758459-C-T.
Other names: c.5420G>A, p.Ser1807Asn (NM_001378460.1); c.7442G>A, p.Ser2481Asn (NM_001378461.1, NM_001378463.1, NM_001174116.3 and 1 more transcripts); c.7439G>A, p.Ser2480Asn (NM_001378462.1, NM_015263.5, NM_001378458.1); c.7199G>A, p.Ser2400Asn (NM_001378464.1); c.7442G>A (NM_001174116.1); c.5531G>A, p.Ser1844Asn (NM_001174117.3); short protein forms S1807N, S1844N, S2400N, S2480N, S2481N.
Identifiers: ClinVar variation 2413293 (VCV002413293.5), dbSNP rs370841953, ClinGen allele CA7561318.